The following is an entry in ClinVar:

ClinVar aggregate classification (germline): Uncertain significance (1 of 4 stars; one submission).

Conditions:
Spermatogenic failure 18. Identifiers: MedGen C4539783, MONDO:0054615, OMIM 617576.
Ciliary dyskinesia, primary, 37 (CILD37). Also called: CILIARY DYSKINESIA, PRIMARY, 37, WITH OR WITHOUT SITUS INVERSUS. Identifiers: MedGen C4539798, MONDO:0033204, OMIM 617577.

Submission:

Labcorp Genetics (formerly Invitae), Labcorp
Classification: Uncertain significance for Ciliary dyskinesia, primary, 37; Spermatogenic failure 18. Last evaluated: 2022-08-31. Review status: criteria provided, single submitter. Criteria: Invitae Variant Classification Sherloc (09022015). Collection method: clinical testing. Allele origin: germline.
Comment: In summary, the available evidence is currently insufficient to determine the role of this variant in disease. Therefore, it has been classified as a Variant of Uncertain Significance. Algorithms developed to predict the effect of sequence changes on RNA splicing suggest that this variant may disrupt the consensus splice site. This variant has not been reported in the literature in individuals affected with DNAH1-related conditions. This variant is not present in population databases (gnomAD no frequency). This sequence change falls in intron 60 of the DNAH1 gene. It does not directly change the encoded amino acid sequence of the DNAH1 protein.

NM_015512.5(DNAH1):c.9622-3_9622-2del

Gene: DNAH1 (dynein axonemal heavy chain 1; plus strand). Cytogenetic location: 3p21.1.
Variant type: Microsatellite.
Coding change: c.9622-3_9622-2del on transcript NM_015512.5 (MANE Select); 3 bases into the intron before coding-DNA position 9622 through the canonical splice acceptor site of the intron before coding-DNA position 9622, 2 bases deleted (CA; older notation c.9622-3_9622-2delCA).
Molecular consequence: splice acceptor variant.
Genome position (GRCh38, 1-based): chr3:52,390,932-52,390,933, CA deleted; deleting any 2 consecutive bases within chr3:52,390,930-52,390,933 gives the same sequence; the c. name uses the placement nearest the transcript's 3' end. VCF-style (leftmost placement, unchanged base first): chr3-52390929-CCA-C. GRCh37 (hg19) VCF-style: chr3-52424945-CCA-C.
Identifiers: ClinVar variation 2009839 (VCV002009839.4), dbSNP rs2471282599, ClinGen allele CA2580616474.
Genomic context (GRCh38, chr3:52,390,929, plus strand): 5'-CTGATGCCCTCAGTGACCCTGCTTGCAGGAAAGCTCTGACCCAGTCCAGTGCCTGGCTCT[CCA>C]CAGATCGCTGGCCTCCCCAACGACACACTGTCAGTGGAGAACGGGGTCATCAACCAGTTT-3'